The following is an entry in ClinVar:

NM_000044.6(AR):c.2673_2675dup (p.Phe892_Pro893insPhe)

Gene: AR (androgen receptor; plus strand). Cytogenetic location: Xq12.
Variant type: Duplication.
Coding change: c.2673_2675dup on transcript NM_000044.6 (MANE Select); coding-DNA positions 2673 to 2675, 3 bases duplicated (CTT; older notation c.2673_2675dupCTT).
Protein change: p.Phe892_Pro893insPhe.
Molecular consequence: inframe insertion.
Genome position (GRCh38, 1-based): chrX:67,723,751-67,723,753, CTT duplicated. VCF-style (leftmost placement, unchanged base first): chrX-67723750-A-ACTT. GRCh37 (hg19) VCF-style: chrX-66943592-A-ACTT.
Other names: c.1077_1079dup, p.Phe360_Pro361insPhe (NM_001011645.3).
Identifiers: ClinVar variation 3347404 (VCV003347404.1).

ClinVar aggregate classification (germline): Likely pathogenic (0 of 4 stars; one submission).

Conditions:
AR-related disorder. Also called: AR-related condition.

Submission:

PreventionGenetics, part of Exact Sciences
Classification: Likely pathogenic for AR-related condition. Last evaluated: 2024-05-28. Review status: no assertion criteria provided. Collection method: clinical testing. Allele origin: germline.
Comment: The AR c.2673_2675dupCTT variant is predicted to result in an in-frame duplication (p.Phe892dup). To our knowledge, this variant has not been reported in the literature or in a large population database, indicating this variant is rare. De novo variants in AR are frequently reported in individuals with a 46,XY difference of sex development, including inframe deletions and duplications (see for example Audi et al. 2010. PubMed ID: 20150575; Ledig et al. 2005. PubMed ID: 15925895). Based on the available evidence, we interpret this variant as likely pathogenic.